The following is an entry in ClinVar:

NM_000038.6(APC):c.2620T>G (p.Ser874Ala)

Gene: APC (APC regulator of Wnt signaling pathway; plus strand). Cytogenetic location: 5q22.2.
Variant type: single nucleotide variant.
Coding change: c.2620T>G on transcript NM_000038.6 (MANE Select); coding-DNA position 2620, T replaced by G.
Protein change: p.Ser874Ala; replaces serine 874 with alanine.
Molecular consequence: missense variant. On other transcripts: non-coding transcript variant (2).
Genome position (GRCh38, 1-based): chr5:112,838,214, T>G. VCF-style: chr5-112838214-T-G. GRCh37 (hg19) VCF-style: chr5-112173911-T-G.
Other names: c.2620T>G, p.Ser874Ala (NM_001127510.3, NM_001354895.2, NM_001407450.1); c.2566T>G, p.Ser856Ala (NM_001127511.3); c.2545T>G, p.Ser849Ala (NM_001354898.2); c.2536T>G, p.Ser846Ala (NM_001354899.2); c.2497T>G, p.Ser833Ala (NM_001354900.2); c.2443T>G, p.Ser815Ala (NM_001354901.2, NM_001407453.1); c.2674T>G, p.Ser892Ala (NM_001354896.2, NM_001407447.1, NM_001407448.1 and 1 more transcripts); c.2317T>G, p.Ser773Ala (NM_001354903.2, NM_001407459.1, NM_001407460.1 and 1 more transcripts); and 11 more; short protein forms S490A, S714A, S745A, S833A, S864A, S874A, S748A, S773A.
Identifiers: ClinVar variation 3305669 (VCV003305669.1).

ClinVar aggregate classification (germline): Uncertain significance (1 of 4 stars; one submission).

Conditions:
Hereditary cancer-predisposing syndrome. Also called: Tumor predisposition; Hereditary Cancer Syndrome; Hereditary neoplastic syndrome; Neoplastic Syndromes, Hereditary. Identifiers: Orphanet 140162, MedGen C0027672, MeSH D009386, MONDO:0015356.

Submission:

Ambry Genetics
Classification: Uncertain significance for Hereditary cancer-predisposing syndrome. Last evaluated: 2024-06-07. Review status: criteria provided, single submitter. Criteria: Ambry Variant Classification Scheme 2023. Collection method: clinical testing. Allele origin: germline.
Comment: The p.S874A variant (also known as c.2620T>G), located in coding exon 15 of the APC gene, results from a T to G substitution at nucleotide position 2620. The serine at codon 874 is replaced by alanine, an amino acid with similar properties. This amino acid position is conserved. In addition, in silico predictors for this gene do not accurately predict pathogenicity. Based on the available evidence, the clinical significance of this variant remains unclear.